The following is an entry in ClinVar:

ClinVar aggregate classification (germline): Pathogenic (1 of 4 stars; one submission).

Allele frequency attached by ClinVar (database versions not stated): ExAC below 0.00001; TOPMed below 0.00001; gnomAD 0.00001; gnomAD exomes 0.00001.

Submission:

Labcorp Genetics (formerly Invitae), Labcorp
Classification: Pathogenic. Last evaluated: 2022-11-03. Review status: criteria provided, single submitter. Criteria: Invitae Variant Classification Sherloc (09022015). Collection method: clinical testing. Allele origin: germline.
Comment: For these reasons, this variant has been classified as Pathogenic. Algorithms developed to predict the effect of sequence changes on RNA splicing suggest that this variant may disrupt the consensus splice site. ClinVar contains an entry for this variant (Variation ID: 632297). This variant has not been reported in the literature in individuals affected with LOXHD1-related conditions. This variant is not present in population databases (gnomAD no frequency). This sequence change creates a premature translational stop signal (p.Glu1493*) in the LOXHD1 gene. It is expected to result in an absent or disrupted protein product. Loss-of-function variants in LOXHD1 are known to be pathogenic (PMID: 19732867, 21465660, 25792669).

Literature cited by the submitters: PubMed 19732867; PubMed 21465660; PubMed 25792669.

NM_001384474.1(LOXHD1):c.4476_4477insT (p.Glu1493Ter)

Gene: LOXHD1 (lipoxygenase homology PLAT domains 1; minus strand). Cytogenetic location: 18q21.1.
Variant type: Insertion.
Coding change: c.4476_4477insT on transcript NM_001384474.1 (MANE Select); coding-DNA positions 4476 to 4477, T inserted.
Protein change: p.Glu1493Ter; replaces glutamic acid 1493 with a stop codon.
Molecular consequence: nonsense.
Genome position: GRCh38 VCF-style: chr18-46529230-C-CA. GRCh37 (hg19) VCF-style: chr18-44109193-C-CA.
Other names: c.1143_1144insT, p.Glu382Ter (NM_001145472.3); c.855_856insT, p.Glu286Ter (NM_001308013.2); c.4476_4477insT, p.Glu1493Ter (NM_144612.7); short protein forms E1493*, E382*, E286*.
Identifiers: ClinVar variation 632297 (VCV000632297.10), dbSNP rs763478051, ClinGen allele CA8952346.